The following is an entry in ClinVar:

NM_001039141.3(TRIOBP):c.2969G>A (p.Arg990Gln)

Gene: TRIOBP (TRIO and F-actin binding protein; plus strand). Cytogenetic location: 22q13.1.
Variant type: single nucleotide variant.
Coding change: c.2969G>A on transcript NM_001039141.3 (MANE Select); coding-DNA position 2969, G replaced by A.
Protein change: p.Arg990Gln; replaces arginine 990 with glutamine.
Molecular consequence: missense variant.
Genome position (GRCh38, 1-based): chr22:37,725,525, G>A. VCF-style: chr22-37725525-G-A. GRCh37 (hg19) VCF-style: chr22-38121532-G-A.
Other names: short protein forms R990Q.
Identifiers: ClinVar variation 3628214 (VCV003628214.2).

ClinVar aggregate classification (germline): Uncertain significance (1 of 4 stars; one submission).

gnomAD v4.1: 7 of 1,613,224 alleles (0.00043%); highest among the groups gnomAD compares: East Asian, 0.0022%; no homozygotes.

Submission:

Labcorp Genetics (formerly Invitae), Labcorp
Classification: Uncertain significance. Last evaluated: 2024-03-12. Review status: criteria provided, single submitter. Criteria: Invitae Variant Classification Sherloc (09022015). Collection method: clinical testing. Allele origin: germline.
Comment: This sequence change replaces arginine, which is basic and polar, with glutamine, which is neutral and polar, at codon 990 of the TRIOBP protein (p.Arg990Gln). This variant is present in population databases (rs758243873, gnomAD 0.006%). This variant has not been reported in the literature in individuals affected with TRIOBP-related conditions. Algorithms developed to predict the effect of missense changes on protein structure and function output the following: SIFT: "Not Available"; PolyPhen-2: "Benign"; Align-GVGD: "Not Available". The glutamine amino acid residue is found in multiple mammalian species, which suggests that this missense change does not adversely affect protein function. In summary, the available evidence is currently insufficient to determine the role of this variant in disease. Therefore, it has been classified as a Variant of Uncertain Significance.